The following is an entry in ClinVar:

NM_031885.5(BBS2):c.118-2A>C

Gene: BBS2 (Bardet-Biedl syndrome 2; minus strand). Cytogenetic location: 16q13.
Variant type: single nucleotide variant.
Coding change: c.118-2A>C on transcript NM_031885.5 (MANE Select); the canonical splice acceptor site of the intron before coding-DNA position 118, A replaced by C.
Molecular consequence: splice acceptor variant.
Genome position (GRCh38, 1-based): chr16:56,514,682, T>G on the plus strand (A>C on the coding strand, the complement: BBS2 is on the minus strand). VCF-style: chr16-56514682-T-G. GRCh37 (hg19) VCF-style: chr16-56548594-T-G.
Other names: c.118-2A>C (NM_001377456.1).
Identifiers: ClinVar variation 2680022 (VCV002680022.4), dbSNP rs2543742094, ClinGen allele CA395986504.

ClinVar aggregate classification (germline): Likely pathogenic. Review status: criteria provided, multiple submitters, no conflicts (2 of 4 stars). 2 submissions from 2 submitters: Likely pathogenic (2). Last evaluated 2024-01-03.

Conditions:
Bardet-Biedl syndrome 2 (BBS2). Identifiers: Orphanet 110, MedGen C2936863, MONDO:0014432, OMIM 615981.
Bardet-Biedl syndrome (BBS). Identifiers: Orphanet 110, MedGen C0752166, MONDO:0015229.

Submissions (2):

Labcorp Genetics (formerly Invitae), Labcorp
Classification: Likely pathogenic for Bardet-Biedl syndrome. Last evaluated: 2024-01-03. Review status: criteria provided, single submitter. Criteria: Invitae Variant Classification Sherloc (09022015). Collection method: clinical testing. Allele origin: germline.
Comment: This sequence change affects an acceptor splice site in intron 1 of the BBS2 gene. It is expected to disrupt RNA splicing. Variants that disrupt the donor or acceptor splice site typically lead to a loss of protein function (PMID: 16199547), and loss-of-function variants in BBS2 are known to be pathogenic (PMID: 11285252, 20177705, 24608809, 26518167). This variant is not present in population databases (gnomAD no frequency). This variant has not been reported in the literature in individuals affected with BBS2-related conditions. Algorithms developed to predict the effect of sequence changes on RNA splicing suggest that this variant may disrupt the consensus splice site. In summary, the currently available evidence indicates that the variant is pathogenic, but additional data are needed to prove that conclusively. Therefore, this variant has been classified as Likely Pathogenic.

Baylor Genetics
Classification: Likely pathogenic for Bardet-Biedl syndrome 2. Last evaluated: 2022-12-26. Review status: criteria provided, single submitter. Criteria: ACMG Guidelines, 2015. Collection method: clinical testing. Allele origin: unknown.

Literature cited by the submitters: PubMed 16199547 (cited by Labcorp Genetics (formerly Invitae), Labcorp); PubMed 11285252 (cited by Labcorp Genetics (formerly Invitae), Labcorp); PubMed 20177705 (cited by Labcorp Genetics (formerly Invitae), Labcorp); PubMed 24608809 (cited by Labcorp Genetics (formerly Invitae), Labcorp); PubMed 26518167 (cited by Labcorp Genetics (formerly Invitae), Labcorp).